The following is an entry in ClinVar:

ClinVar aggregate classification (germline): Conflicting classifications of pathogenicity. Review status: criteria provided, conflicting classifications (1 of 4 stars). 15 submissions from 11 submitters: Uncertain significance (10); VUS-high (1); Benign (1); Likely benign (3). Last evaluated 2026-09-01.

Conditions:
TTN-related disorder. Also called: TTN-related disorders; TTN-related condition; TTN-related disease.
Autosomal recessive titinopathy. Identifiers: MedGen CN315649, MONDO:0100493.
Autosomal recessive limb-girdle muscular dystrophy type 2J (LGMDR10). Also called: Limb-girdle muscular dystrophy, type 2J; MUSCULAR DYSTROPHY, LIMB-GIRDLE, AUTOSOMAL RECESSIVE 10. Identifiers: Orphanet 140922, MedGen C1837342, MONDO:0012127, OMIM 608807.
Dilated cardiomyopathy 1G (CMD1G). Identifiers: Orphanet 154, MedGen C1858763, MONDO:0011400, OMIM 604145.
Cardiomyopathy (CMYO). Also called: Cardiomyopathies. Identifiers: Orphanet 167848, MedGen C0878544, MONDO:0004994, HP:0001638. Inheritance: Various modes of inheritance.
Myopathy, myofibrillar, 9, with early respiratory failure (MFM9). Also called: Myopathy, distal, with early respiratory failure, autosomal dominant; EDSTROM MYOPATHY; MYOPATHY, PROXIMAL, WITH EARLY RESPIRATORY MUSCLE INVOLVEMENT; Hereditary myopathy with early respiratory failure. Identifiers: Orphanet 178464, Orphanet 34521, MedGen C1863599, MONDO:0011362, OMIM 603689.
Early-onset myopathy with fatal cardiomyopathy (CMYO5). Also called: Salih Myopathy; CONGENITAL MYOPATHY 5 WITH CARDIOMYOPATHY. Identifiers: Orphanet 289377, MedGen C2673677, MONDO:0012714, OMIM 611705. Disease mechanism: loss of function.
Tibial muscular dystrophy (TMD). Also called: Udd Distal Myopathy – Tibial Muscular Dystrophy; UDD MYOPATHY; Tibial muscular dystrophy, tardive. Identifiers: Orphanet 609, MedGen C1838244, MONDO:0010870, OMIM 600334.

Allele frequency attached by ClinVar (database versions not stated): ExAC 0.00007; gnomAD exomes 0.00011 and 0.00019; ESP Exome Variant Server 0.00016; gnomAD 0.00017 and 0.00019; TOPMed 0.00022.
gnomAD v4.1: 308 of 1,613,746 alleles (0.019%); highest among the groups gnomAD compares: Non-Finnish European, 0.025%; no homozygotes.

Submissions (15):

CeGaT Center for Human Genetics Tuebingen
Classification: Uncertain significance. Last evaluated: 2026-09-01. Review status: criteria provided, single submitter. Criteria: CeGaT Center For Human Genetics Tuebingen Variant Classification Criteria Version 2. Collection method: clinical testing. Allele origin: germline. Affected: yes. Observed: 4 variant alleles.
Comment: TTN: PM2

Women's Health and Genetics/Laboratory Corporation of America, LabCorp
Classification: Uncertain significance. Last evaluated: 2026-05-27. Review status: criteria provided, single submitter. Criteria: LabCorp Variant Classification Summary - May 2015. Collection method: clinical testing. Allele origin: germline.
Comment: Variant summary: TTN NM_133378 c.10754A>C (p.Gln3585Pro), also known as NM_001267550 c.14486A>C (p.Gln4829Pro), results in a non-conservative amino acid change in the encoded protein sequence. Algorithms developed to predict the effect of missense changes on protein structure and function are either unavailable or do not agree on the potential impact of this missense change. The variant allele was found at a frequency of 0.00011 in 248890 control chromosomes. This frequency is not significantly higher than estimated for disease-causing variants in TTN, allowing no conclusion about variant significance. To our knowledge, no occurrence of c.10754A>C in individuals affected with TTN-related conditions and no experimental evidence demonstrating its impact on protein function have been reported. ClinVar contains an entry for this variant (Variation ID: 197578). Based on the evidence outlined above, the variant was classified as uncertain significance.

Myofin, Folkhalsan Research Center
Classification: VUS-high for Autosomal recessive titinopathy. Last evaluated: 2026-02-06. Review status: criteria provided, single submitter. Criteria: ACMG Guidelines, 2015. Collection method: research. Allele origin: germline. Affected: yes.
Comment: This missense variant (p.(Gln4829Pro)) was identified in 2 families with a myopathy phenotype consistent with recessive titinopathy, and the probands carry a pathogenic/likely pathogenic TTN truncating variant on the other allele (in trans by segregation). The variant is rare in population databases (MAF 0.0001909 in gnomAD; no homozygotes reported) and has a high deleterious computational prediction (AlphaMissense 0.9590). In vitro assays on the corresponding titin Ig domain show impaired folding/solubility and aggregation; however, given the large size of the gene and remaining uncertainties regarding the underlying pathogenic mechanisms, evidence is insufficient for reclassification. We classify this variant as Uncertain significance (VUS-high) for recessive titinopathy

PreventionGenetics, part of Exact Sciences
Classification: Likely benign for TTN-related condition. Last evaluated: 2025-11-07. Review status: criteria provided, single submitter. Criteria: ACMG Guidelines, 2015. Collection method: clinical testing. Allele origin: germline.
Comment: This variant is classified as likely benign based on ACMG/AMP sequence variant interpretation guidelines (Richards et al. 2015 PMID: 25741868, with internal and published modifications).

Mayo Clinic Laboratories, Mayo Clinic
Classification: Uncertain significance. Last evaluated: 2025-06-05. Review status: criteria provided, single submitter. Criteria: ACMG Guidelines, 2015. Collection method: clinical testing. Allele origin: germline. Observed: 2 variant alleles.

GeneDx
Classification: Likely benign. Last evaluated: 2019-10-28. Review status: criteria provided, single submitter. Criteria: GeneDx Variant Classification Process June 2021. Collection method: clinical testing. Allele origin: germline. Affected: yes.

Revvity Omics, Revvity
Classification: Uncertain significance. Last evaluated: 2019-02-26. Review status: criteria provided, single submitter. Criteria: ACMG Guidelines, 2015. Collection method: clinical testing. Allele origin: germline.

Illumina Laboratory Services, Illumina
Classification: Uncertain significance for Dilated cardiomyopathy 1G. Last evaluated: 2018-01-12. Review status: criteria provided, single submitter. Criteria: ICSL Variant Classification Criteria 13 December 2019. Collection method: clinical testing. Allele origin: germline.

Illumina Laboratory Services, Illumina
Classification: Uncertain significance for Autosomal recessive limb-girdle muscular dystrophy type 2J. Last evaluated: 2018-01-12. Review status: criteria provided, single submitter. Criteria: ICSL Variant Classification Criteria 13 December 2019. Collection method: clinical testing. Allele origin: germline.

Illumina Laboratory Services, Illumina
Classification: Likely benign for Myopathy, myofibrillar, 9, with early respiratory failure. Last evaluated: 2018-01-12. Review status: criteria provided, single submitter. Criteria: ICSL Variant Classification Criteria 13 December 2019. Collection method: clinical testing. Allele origin: germline.
Comment: This variant was observed in the ICSL laboratory as part of a predisposition screen in an ostensibly healthy population. It had not been previously curated by ICSL or reported in the Human Gene Mutation Database (HGMD: prior to June 1st, 2018), and was therefore a candidate for classification through an automated scoring system. Utilizing variant allele frequency, disease prevalence and penetrance estimates, and inheritance mode, an automated score was calculated to assess if this variant is too frequent to cause the disease. Based on the score and internal cut-off values, a variant classified as likely benign is not then subjected to further curation. The score for this variant resulted in a classification of likely benign for this disease.

Illumina Laboratory Services, Illumina
Classification: Uncertain significance for Early-onset myopathy with fatal cardiomyopathy. Last evaluated: 2018-01-12. Review status: criteria provided, single submitter. Criteria: ICSL Variant Classification Criteria 13 December 2019. Collection method: clinical testing. Allele origin: germline.

Illumina Laboratory Services, Illumina
Classification: Benign for Tibial muscular dystrophy. Last evaluated: 2018-01-12. Review status: criteria provided, single submitter. Criteria: ICSL Variant Classification Criteria 13 December 2019. Collection method: clinical testing. Allele origin: germline.
Comment: This variant was observed in the ICSL laboratory as part of a predisposition screen in an ostensibly healthy population. It had not been previously curated by ICSL or reported in the Human Gene Mutation Database (HGMD: prior to June 1st, 2018), and was therefore a candidate for classification through an automated scoring system. Utilizing variant allele frequency, disease prevalence and penetrance estimates, and inheritance mode, an automated score was calculated to assess if this variant is too frequent to cause the disease. Based on the score and internal cut-off values, a variant classified as benign is not then subjected to further curation. The score for this variant resulted in a classification of benign for this disease.

Labcorp Genetics (formerly Invitae), Labcorp
Classification: Uncertain significance for Dilated cardiomyopathy 1G; Autosomal recessive limb-girdle muscular dystrophy type 2J. Last evaluated: 2017-11-17. Review status: criteria provided, single submitter. Criteria: Invitae Variant Classification Sherloc (09022015). Collection method: clinical testing. Allele origin: germline.

CHEO Genetics Diagnostic Laboratory, Children's Hospital of Eastern Ontario
Classification: Uncertain significance for Cardiomyopathy. Last evaluated: 2016-05-02. Review status: criteria provided, single submitter. Criteria: ACMG Guidelines, 2015. Collection method: clinical testing. Allele origin: germline. Study: Canadian Open Genetics Repository.

Eurofins Ntd Llc (ga)
Classification: Uncertain significance. Last evaluated: 2015-09-14. Review status: criteria provided, single submitter. Criteria: EGL Classification Definitions 2015. Collection method: clinical testing. Allele origin: germline. Observed: 2 variant alleles, 2 heterozygotes.

Literature cited by the submitters: DOI 10.1101/2025.07.17.25331110 (cited by Myofin, Folkhalsan Research Center); PubMed 30847666 (cited by Mayo Clinic Laboratories, Mayo Clinic).

NM_001267550.2(TTN):c.14486A>C (p.Gln4829Pro)

Gene: TTN (titin; minus strand). Cytogenetic location: 2q31.2.
Variant type: single nucleotide variant.
Coding change: c.14486A>C on transcript NM_001267550.2 (MANE Select); coding-DNA position 14486, A replaced by C.
Protein change: p.Gln4829Pro; replaces glutamine 4829 with proline.
Molecular consequence: missense variant. On other transcripts: intron variant (3).
Genome position (GRCh38, 1-based): chr2:178,735,960, T>G on the plus strand (A>C on the coding strand, the complement: TTN is on the minus strand). VCF-style: chr2-178735960-T-G. GRCh37 (hg19) VCF-style: chr2-179600687-T-G.
Other names: p.Q4512P:CAG>CCG; p.Gln4512Pro; p.Gln3585Pro; c.13535A>C, p.Gln4512Pro (NM_001256850.1); c.10754A>C, p.Gln3585Pro (NM_133378.4); c.13282+2122A>C (NM_003319.4); c.13858+2122A>C (NM_133437.4); c.13657+2122A>C (NM_133432.3); short protein forms Q4829P, Q4512P, Q3585P.
Identifiers: ClinVar variation 197578 (VCV000197578.57), dbSNP rs375177753, ClinGen allele CA303009.